The following is an entry in ClinVar:

NM_002474.3(MYH11):c.4214C>T (p.Thr1405Ile)

Genes: NDE1 (nudE neurodevelopment protein 1; plus strand), MYH11 (myosin heavy chain 11; minus strand). Cytogenetic location: 16p13.11.
Variant type: single nucleotide variant.
Coding change: c.4214C>T on transcript NM_002474.3 (MANE Select); coding-DNA position 4214, C replaced by T.
Protein change: p.Thr1405Ile; replaces threonine 1405 with isoleucine.
Molecular consequence: missense variant. On other transcripts: 3 prime UTR variant (2).
Genome position (GRCh38, 1-based): chr16:15,724,312, G>A on the plus strand (C>T on the coding strand, the complement: MYH11 is on the minus strand). VCF-style: chr16-15724312-G-A. GRCh37 (hg19) VCF-style: chr16-15818169-G-A.
Other names: c.4235C>T, p.Thr1412Ile (NM_001040113.2, NM_001040114.2); c.4214C>T, p.Thr1405Ile (NM_022844.3); c.*61G>A (NM_001143979.2, NM_017668.3); short protein forms T1412I, T1405I.
Identifiers: ClinVar variation 3915418 (VCV003915418.1).

ClinVar aggregate classification (germline): Uncertain significance (1 of 4 stars; one submission).

Conditions:
Familial thoracic aortic aneurysm and aortic dissection (TAAD). Also called: Thoracic aortic aneurysms and dissections. Identifiers: Orphanet 91387, MedGen C4707243, MONDO:0019625.

Submission:

Ambry Genetics
Classification: Uncertain significance for Familial thoracic aortic aneurysm and aortic dissection. Last evaluated: 2025-05-10. Review status: criteria provided, single submitter. Criteria: Ambry Variant Classification Scheme 2023. Collection method: clinical testing. Allele origin: germline.
Comment: The p.T1405I variant (also known as c.4214C>T), located in coding exon 30 of the MYH11 gene, results from a C to T substitution at nucleotide position 4214. The threonine at codon 1405 is replaced by isoleucine, an amino acid with similar properties. This amino acid position is conserved. In addition, this alteration is predicted to be tolerated by in silico analysis. Based on the available evidence, the clinical significance of this variant remains unclear.